The following is an entry in ClinVar:

NM_181882.3(PRX):c.3595G>C (p.Val1199Leu)

Gene: PRX (periaxin; minus strand). Cytogenetic location: 19q13.2.
Variant type: single nucleotide variant.
Coding change: c.3595G>C on transcript NM_181882.3 (MANE Select); coding-DNA position 3595, G replaced by C.
Protein change: p.Val1199Leu; replaces valine 1199 with leucine.
Molecular consequence: missense variant. On other transcripts: 3 prime UTR variant (1).
Genome position (GRCh38, 1-based): chr19:40,394,757, C>G on the plus strand (G>C on the coding strand, the complement: PRX is on the minus strand). VCF-style: chr19-40394757-C-G. GRCh37 (hg19) VCF-style: chr19-40900664-C-G.
Other names: c.*3800G>C (NM_020956.2); short protein forms V1199L.
Identifiers: ClinVar variation 1445245 (VCV001445245.6), dbSNP rs2145726058, ClinGen allele CA405893043.

ClinVar aggregate classification (germline): Uncertain significance (1 of 4 stars; one submission).

Conditions:
Charcot-Marie-Tooth disease type 4. Also called: Charcot-Marie-Tooth disease, type IV; Charcot-Marie-Tooth, Type 4. Identifiers: Orphanet 64749, MedGen C4082197, MONDO:0018995.

Submission:

Labcorp Genetics (formerly Invitae), Labcorp
Classification: Uncertain significance for Charcot-Marie-Tooth disease type 4. Last evaluated: 2021-08-21. Review status: criteria provided, single submitter. Criteria: Invitae Variant Classification Sherloc (09022015). Collection method: clinical testing. Allele origin: germline.
Comment: This sequence change replaces valine with leucine at codon 1199 of the PRX protein (p.Val1199Leu). The valine residue is moderately conserved and there is a small physicochemical difference between valine and leucine. This variant is not present in population databases (ExAC no frequency). This variant has not been reported in the literature in individuals affected with PRX-related conditions. Algorithms developed to predict the effect of missense changes on protein structure and function (SIFT, PolyPhen-2, Align-GVGD) all suggest that this variant is likely to be tolerated. In summary, the available evidence is currently insufficient to determine the role of this variant in disease. Therefore, it has been classified as a Variant of Uncertain Significance.